The following is an entry in ClinVar:

NM_024757.5(EHMT1):c.1344T>G (p.Ser448Arg)

Gene: EHMT1 (euchromatic histone lysine methyltransferase 1; plus strand). Cytogenetic location: 9q34.3.
Variant type: single nucleotide variant.
Coding change: c.1344T>G on transcript NM_024757.5 (MANE Select); coding-DNA position 1344, T replaced by G.
Protein change: p.Ser448Arg; replaces serine 448 with arginine.
Molecular consequence: missense variant.
Genome position (GRCh38, 1-based): chr9:137,754,266, T>G. VCF-style: chr9-137754266-T-G. GRCh37 (hg19) VCF-style: chr9-140648718-T-G.
Other names: c.1251T>G, p.Ser417Arg (NM_001354259.2, NM_001354612.2); c.1323T>G, p.Ser441Arg (NM_001354263.2); c.1344T>G, p.Ser448Arg (NM_001354611.2, NM_001145527.2); short protein forms S417R, S441R, S448R.
Identifiers: ClinVar variation 1488945 (VCV001488945.9), dbSNP rs1192059382, ClinGen allele CA375763694.
Genomic context (GRCh38, chr9:137,754,266, plus strand): 5'-GAGGAAAGGAAAGACCGACAGTCCCTGGATCAAGCCAGCCAGGAAAAGGAGGCGGAGAAG[T>G]AGAAAGAAGCCCAGCGGTGCCCTCGGTAAATGCCGTGGGGGTGTGGGCCATCACGGGGAC-3'
Protein context (NP_079033.4, residues 438-458): IKPARKRRRR[Ser448Arg]RKKPSGALGS

ClinVar aggregate classification (germline): Uncertain significance (1 of 4 stars; one submission).

Conditions:
Kleefstra syndrome 1 (KLEFS1). Identifiers: Orphanet 261494, MedGen C0795833, MONDO:0027407, OMIM 610253.

Allele frequency attached by ClinVar (database versions not stated): gnomAD exomes below 0.00001.
gnomAD v4.1: 3 of 1,613,926 alleles (0.00019%); highest among the groups gnomAD compares: Non-Finnish European, 0.00025%; no homozygotes.

Submission:

Labcorp Genetics (formerly Invitae), Labcorp
Classification: Uncertain significance for Kleefstra syndrome 1. Last evaluated: 2021-01-08. Review status: criteria provided, single submitter. Criteria: Invitae Variant Classification Sherloc (09022015). Collection method: clinical testing. Allele origin: germline.
Comment: This variant is not present in population databases (ExAC no frequency). In summary, the available evidence is currently insufficient to determine the role of this variant in disease. Therefore, it has been classified as a Variant of Uncertain Significance. Algorithms developed to predict the effect of missense changes on protein structure and function (SIFT, PolyPhen-2, Align-GVGD) all suggest that this variant is likely to be tolerated, but these predictions have not been confirmed by published functional studies and their clinical significance is uncertain. This variant has not been reported in the literature in individuals with EHMT1-related conditions. This sequence change replaces serine with arginine at codon 448 of the EHMT1 protein (p.Ser448Arg). The serine residue is moderately conserved and there is a moderate physicochemical difference between serine and arginine.